The following is an entry in ClinVar:

NM_000088.4(COL1A1):c.992C>T (p.Ala331Val)

Gene: COL1A1 (collagen type I alpha 1 chain; minus strand). Cytogenetic location: 17q21.33.
Variant type: single nucleotide variant.
Coding change: c.992C>T on transcript NM_000088.4 (MANE Select); coding-DNA position 992, C replaced by T.
Protein change: p.Ala331Val; replaces alanine 331 with valine.
Molecular consequence: missense variant.
Genome position (GRCh38, 1-based): chr17:50,196,165, G>A on the plus strand (C>T on the coding strand, the complement: COL1A1 is on the minus strand). VCF-style: chr17-50196165-G-A. GRCh37 (hg19) VCF-style: chr17-48273526-G-A.
Other names: short protein forms A331V.
Identifiers: ClinVar variation 870110 (VCV000870110.42), dbSNP rs762653813, ClinGen allele CA291547129.

ClinVar aggregate classification (germline): Conflicting classifications of pathogenicity. Review status: criteria provided, conflicting classifications (1 of 4 stars). 5 submissions from 5 submitters: Likely pathogenic (1); Uncertain significance (4). Last evaluated 2025-09-08.

Conditions:
Osteogenesis imperfecta (OI). Identifiers: Orphanet 666, MedGen C0029434, MeSH D010013, MONDO:0019019.
Osteogenesis imperfecta type I (OI1). Also called: Lobstein disease; Osteogenesis imperfecta type 1; Classic Non-deforming Osteogenesis Imperfecta with Blue Sclerae; Lobstein's Disease; OI, TYPE I; OSTEOGENESIS IMPERFECTA TARDA. Identifiers: Orphanet 216796, Orphanet 666, MedGen C0023931, MONDO:0008146, OMIM 166200. Disease mechanism: loss of function.

Allele frequency attached by ClinVar (database versions not stated): TOPMed 0.00001.
gnomAD v4.1: 28 of 1,613,964 alleles (0.0017%); highest among the groups gnomAD compares: Non-Finnish European, 0.0022%; no homozygotes.

Submissions (5):

Labcorp Genetics (formerly Invitae), Labcorp
Classification: Uncertain significance for Osteogenesis imperfecta type I. Last evaluated: 2025-09-08. Review status: criteria provided, single submitter. Criteria: Invitae Variant Classification Sherloc (09022015). Collection method: clinical testing. Allele origin: germline.
Comment: This sequence change replaces alanine, which is neutral and non-polar, with valine, which is neutral and non-polar, at codon 331 of the COL1A1 protein (p.Ala331Val). This variant is present in population databases (no rsID available, gnomAD 0.003%). This variant has not been reported in the literature in individuals affected with COL1A1-related conditions. ClinVar contains an entry for this variant (Variation ID: 870110). Invitae Evidence Modeling of protein sequence and biophysical properties (such as structural, functional, and spatial information, amino acid conservation, physicochemical variation, residue mobility, and thermodynamic stability) has been performed for this missense variant. However, the output from this modeling did not meet the statistical confidence thresholds required to predict the impact of this variant on COL1A1 protein function. In summary, the available evidence is currently insufficient to determine the role of this variant in disease. Therefore, it has been classified as a Variant of Uncertain Significance.

GeneDx
Classification: Uncertain significance. Last evaluated: 2024-10-30. Review status: criteria provided, single submitter. Criteria: GeneDx Variant Classification Process June 2021. Collection method: clinical testing. Allele origin: germline. Affected: yes.
Comment: Not observed at significant frequency in large population cohorts (gnomAD); In silico analysis indicates that this missense variant does not alter protein structure/function; Occurs in the triple helical domain at the Y position in the canonical Gly-X-Y repeat; although this variant may have an effect on normal protein folding and function, missense substitution at the Y position is not a common mechanism of disease (HGMD); This variant is associated with the following publications: (PMID: 37810882)

Blueprint Genetics
Classification: Uncertain significance. Last evaluated: 2024-10-24. Review status: criteria provided, single submitter. Criteria: ACMG Guidelines, 2015. Collection method: clinical testing. Allele origin: germline.

CeGaT Center for Human Genetics Tuebingen
Classification: Uncertain significance. Last evaluated: 2024-04-01. Review status: criteria provided, single submitter. Criteria: CeGaT Center For Human Genetics Tuebingen Variant Classification Criteria Version 2. Collection method: clinical testing. Allele origin: germline. Affected: yes. Observed: 2 variant alleles.

Genetics Department, Polish Mother's Memorial Hospital Research Institute
Classification: Likely pathogenic for Osteogenesis imperfecta. Last evaluated: 2020-04-06. Review status: criteria provided, single submitter. Criteria: ACMG Guidelines, 2015. Collection method: research. Allele origin: maternal. Affected: yes. Observed: 2 variant alleles.